The following is an entry in ClinVar:

ClinVar aggregate classification (germline): Pathogenic (1 of 4 stars; one submission).

Conditions:
Landau-Kleffner syndrome (FESD). Also called: EPILEPSY, FOCAL, WITH SPEECH DISORDER AND WITH OR WITHOUT MENTAL RETARDATION; APHASIA, ACQUIRED, WITH EPILEPSY. Identifiers: Orphanet 1945, Orphanet 725, Orphanet 98818, MedGen C0282512, MONDO:0009509, OMIM 245570.

Submission:

Institute of Human Genetics, University of Leipzig Medical Center
Classification: Pathogenic for Landau-Kleffner syndrome. Last evaluated: 2025-05-05. Review status: criteria provided, single submitter. Criteria: ACMG Guidelines, 2015. Collection method: clinical testing. Allele origin: de novo. Inheritance: Autosomal dominant inheritance. Affected: yes.
Comment: Criteria applied: PVS1_STR,PS2_MOD,PM2

NM_001134407.3:c.(414+1_415-1)_(1007+1_1008-1)ins

Gene: GRIN2A (glutamate ionotropic receptor NMDA type subunit 2A; minus strand).
Variant type: Insertion.
Other names: c.(414+1_415-1)_(1007+1_1008-1)ins (NM_001134407.3).
Identifiers: ClinVar variation 3901211 (VCV003901211.1).